The following is an entry in ClinVar:

NM_013275.6(ANKRD11):c.1731dup (p.Asp578Ter)

Gene: ANKRD11 (ankyrin repeat domain 11; minus strand). Cytogenetic location: 16q24.3.
Variant type: Duplication.
Coding change: c.1731dup on transcript NM_013275.6 (MANE Select); coding-DNA position 1731, one base duplicated (T; older notation c.1731dupT).
Protein change: p.Asp578Ter; replaces aspartic acid 578 with a stop codon.
Molecular consequence: nonsense.
Genome position (GRCh38, 1-based): chr16:89,284,811, A duplicated on the plus strand (T on the coding strand, the reverse complement: ANKRD11 is on the minus strand). VCF-style (leftmost placement, unchanged base first): chr16-89284810-C-CA. GRCh37 (hg19) VCF-style: chr16-89351218-C-CA.
Other names: c.1731dup, p.Asp578Ter (NM_001256182.2, NM_001256183.2); short protein forms D578*.
Identifiers: ClinVar variation 2038482 (VCV002038482.4), dbSNP rs2544243922, ClinGen allele CA2580092316.
Genomic context (GRCh38, chr16:89,284,810, plus strand): 5'-GCTCCTGCCTCTTCCTCACTGGCTTCAGCGATTCCACACTGGAGCCCTCAGAGGAGTAGT[C>CA]AGACTCGCTTGTCAGTCTCGTCCTTGTGGAGTCTGATAAAGAACTGACCTCTGACCAAGC-3'

ClinVar aggregate classification (germline): Pathogenic (1 of 4 stars; one submission).

Conditions:
KBG syndrome (KBGS). Also called: ANKRD11-Related KBG Syndrome. Identifiers: Orphanet 2332, MedGen C0220687, MONDO:0007846, OMIM 148050.

Submission:

Labcorp Genetics (formerly Invitae), Labcorp
Classification: Pathogenic for KBG syndrome. Last evaluated: 2022-03-19. Review status: criteria provided, single submitter. Criteria: Invitae Variant Classification Sherloc (09022015). Collection method: clinical testing. Allele origin: germline.
Comment: For these reasons, this variant has been classified as Pathogenic. This variant has not been reported in the literature in individuals affected with ANKRD11-related conditions. This variant is not present in population databases (gnomAD no frequency). This sequence change creates a premature translational stop signal (p.Asp578*) in the ANKRD11 gene. It is expected to result in an absent or disrupted protein product. Loss-of-function variants in ANKRD11 are known to be pathogenic (PMID: 21782149, 25125236, 25413698, 25652421).

Literature cited by the submitters: PubMed 21782149; PubMed 25125236; PubMed 25413698; PubMed 25652421.